The following is an entry in ClinVar:

NM_000465.4(BARD1):c.1615A>G (p.Met539Val)

Gene: BARD1 (BRCA1 associated RING domain 1; minus strand). Cytogenetic location: 2q35.
Variant type: single nucleotide variant.
Coding change: c.1615A>G on transcript NM_000465.4 (MANE Select); coding-DNA position 1615, A replaced by G.
Protein change: p.Met539Val; replaces methionine 539 with valine.
Molecular consequence: missense variant. On other transcripts: non-coding transcript variant (3), intron variant (1).
Genome position (GRCh38, 1-based): chr2:214,752,509, T>C on the plus strand (A>G on the coding strand, the complement: BARD1 is on the minus strand). VCF-style: chr2-214752509-T-C. GRCh37 (hg19) VCF-style: chr2-215617233-T-C.
Other names: c.1558A>G, p.Met520Val (NM_001282543.2); c.262A>G, p.Met88Val (NM_001282545.2); c.205A>G, p.Met69Val (NM_001282548.2); c.365-22001A>G (NM_001282549.2); short protein forms M539V, M520V, M88V, M69V.
Identifiers: ClinVar variation 141784 (VCV000141784.24), dbSNP rs587782009, ClinGen allele CA166424.

ClinVar aggregate classification (germline): Uncertain significance. Review status: criteria provided, multiple submitters, no conflicts (2 of 4 stars). 5 submissions from 5 submitters: Uncertain significance (5). Last evaluated 2025-06-03.

Conditions:
BARD1-related cancer predisposition. Identifiers: MedGen CN377756, MONDO:0700267.
Hereditary cancer-predisposing syndrome. Also called: Neoplastic Syndromes, Hereditary; Tumor predisposition; Hereditary Cancer Syndrome; Hereditary neoplastic syndrome. Identifiers: Orphanet 140162, MedGen C0027672, MeSH D009386, MONDO:0015356.
Familial cancer of breast. Also called: BREAST CANCER, FAMILIAL; Hereditary breast cancer; hereditary breast carcinoma. Identifiers: Orphanet 227535, MedGen C0346153, MONDO:0016419, OMIM 114480. Disease mechanism: loss of function.

Allele frequency attached by ClinVar (database versions not stated): gnomAD exomes below 0.00001; gnomAD 0.00001; TOPMed 0.00001.
gnomAD v4.1: 8 of 1,613,720 alleles (0.0005%); highest among the groups gnomAD compares: Admixed American, 0.0017%; no homozygotes.

Submissions (5):

Labcorp Genetics (formerly Invitae), Labcorp
Classification: Uncertain significance for Familial cancer of breast. Last evaluated: 2025-06-03. Review status: criteria provided, single submitter. Criteria: Invitae Variant Classification Sherloc (09022015). Collection method: clinical testing. Allele origin: germline.
Comment: This sequence change replaces methionine, which is neutral and non-polar, with valine, which is neutral and non-polar, at codon 539 of the BARD1 protein (p.Met539Val). This variant is not present in population databases (gnomAD no frequency). This variant has not been reported in the literature in individuals affected with BARD1-related conditions. ClinVar contains an entry for this variant (Variation ID: 141784). An algorithm developed to predict the effect of missense changes on protein structure and function outputs the following: PolyPhen-2: "Benign". The valine amino acid residue is found in multiple mammalian species, which suggests that this missense change does not adversely affect protein function. In summary, the available evidence is currently insufficient to determine the role of this variant in disease. Therefore, it has been classified as a Variant of Uncertain Significance.

Ambry Genetics
Classification: Uncertain significance for Hereditary cancer-predisposing syndrome. Last evaluated: 2025-05-17. Review status: criteria provided, single submitter. Criteria: Ambry Variant Classification Scheme 2023. Collection method: clinical testing. Allele origin: germline.
Comment: The p.M539V variant (also known as c.1615A>G), located in coding exon 7 of the BARD1 gene, results from an A to G substitution at nucleotide position 1615. The methionine at codon 539 is replaced by valine, an amino acid with highly similar properties. This amino acid position is well conserved in available vertebrate species. In addition, this alteration is predicted to be tolerated by in silico analysis. Since supporting evidence is limited at this time, the clinical significance of this alteration remains unclear.

Molecular Pathology, Peter Maccallum Cancer Centre
Classification: Uncertain significance for BARD1-related cancer predisposition. Last evaluated: 2024-11-11. Review status: criteria provided, single submitter. Criteria: ACMG Guidelines, 2015. Collection method: clinical testing. Allele origin: germline. Inheritance: Autosomal dominant inheritance.

GeneDx
Classification: Uncertain significance. Last evaluated: 2024-10-29. Review status: criteria provided, single submitter. Criteria: GeneDx Variant Classification Process June 2021. Collection method: clinical testing. Allele origin: germline. Affected: yes.
Comment: Not observed at significant frequency in large population cohorts (gnomAD); In silico analysis indicates that this missense variant does not alter protein structure/function; Has not been previously published as pathogenic or benign to our knowledge

Color Diagnostics, LLC DBA Color Health
Classification: Uncertain significance for Hereditary cancer-predisposing syndrome. Last evaluated: 2023-12-05. Review status: criteria provided, single submitter. Criteria: ACMG Guidelines, 2015. Collection method: clinical testing. Allele origin: germline.
Comment: This missense variant replaces methionine with valine at codon 539 of the BARD1 protein. Computational prediction suggests that this variant may not impact protein structure and function (internally defined REVEL score threshold <= 0.5, PMID: 27666373). To our knowledge, functional studies have not been reported for this variant. This variant has not been reported in individuals affected with BARD1-related disorders in the literature. This variant has not been identified in the general population by the Genome Aggregation Database (gnomAD). The available evidence is insufficient to determine the role of this variant in disease conclusively. Therefore, this variant is classified as a Variant of Uncertain Significance.